The following is an entry in ClinVar:

ClinVar aggregate classification (germline): Likely benign (0 of 4 stars; one submission).

Conditions:
SRC-related disorder. Also called: SRC-related condition.

Allele frequency attached by ClinVar (database versions not stated): gnomAD 0.00001; gnomAD exomes 0.00001; ExAC 0.00002; 1000 Genomes Project 30x 0.00016; 1000 Genomes Project 0.00020.
gnomAD v4.1: 12 of 1,614,046 alleles (0.00074%); highest among the groups gnomAD compares: South Asian, 0.011%; no homozygotes.

Submission:

PreventionGenetics, part of Exact Sciences
Classification: Likely benign for SRC-related condition. Last evaluated: 2023-12-03. Review status: no assertion criteria provided. Collection method: clinical testing. Allele origin: germline.
Comment: This variant is classified as likely benign based on ACMG/AMP sequence variant interpretation guidelines (Richards et al. 2015 PMID: 25741868, with internal and published modifications).

NM_198291.3(SRC):c.525C>T (p.Phe175=)

Gene: SRC (SRC proto-oncogene, non-receptor tyrosine kinase; plus strand). Cytogenetic location: 20q11.23.
Variant type: single nucleotide variant.
Coding change: c.525C>T on transcript NM_198291.3 (MANE Select); coding-DNA position 525, C replaced by T.
Protein change: p.Phe175=; no amino-acid change (phenylalanine 175 retained).
Molecular consequence: synonymous variant.
Genome position (GRCh38, 1-based): chr20:37,394,249, C>T. VCF-style: chr20-37394249-C-T. GRCh37 (hg19) VCF-style: chr20-36022652-C-T.
Other names: c.525C>T, p.Phe175= (NM_005417.5).
Identifiers: ClinVar variation 3033317 (VCV003033317.2), dbSNP rs559060103, ClinGen allele CA9847789.